The following is an entry in ClinVar:

ClinVar aggregate classification (germline): Uncertain significance (1 of 4 stars; one submission).

Allele frequency attached by ClinVar (database versions not stated): TOPMed below 0.00001; gnomAD exomes 0.00001.
gnomAD v4.1: 11 of 1,201,702 alleles (0.00092%); highest among the groups gnomAD compares: Non-Finnish European, 0.0012%; no homozygotes.

Submission:

Labcorp Genetics (formerly Invitae), Labcorp
Classification: Uncertain significance. Last evaluated: 2023-03-04. Review status: criteria provided, single submitter. Criteria: Invitae Variant Classification Sherloc (09022015). Collection method: clinical testing. Allele origin: germline.
Comment: Advanced modeling of protein sequence and biophysical properties (such as structural, functional, and spatial information, amino acid conservation, physicochemical variation, residue mobility, and thermodynamic stability) performed at Invitae indicates that this missense variant is not expected to disrupt POLA1 protein function. ClinVar contains an entry for this variant (Variation ID: 1912298). This variant has not been reported in the literature in individuals affected with POLA1-related conditions. This variant is not present in population databases (gnomAD no frequency). This sequence change replaces lysine, which is basic and polar, with arginine, which is basic and polar, at codon 364 of the POLA1 protein (p.Lys364Arg). In summary, the available evidence is currently insufficient to determine the role of this variant in disease. Therefore, it has been classified as a Variant of Uncertain Significance.

NM_001330360.2(POLA1):c.1109A>G (p.Lys370Arg)

Gene: POLA1 (DNA polymerase alpha 1, catalytic subunit; plus strand). Cytogenetic location: Xp22.11.
Variant type: single nucleotide variant.
Coding change: c.1109A>G on transcript NM_001330360.2 (MANE Select); coding-DNA position 1109, A replaced by G.
Protein change: p.Lys370Arg; replaces lysine 370 with arginine.
Molecular consequence: missense variant. On other transcripts: non-coding transcript variant (2).
Genome position (GRCh38, 1-based): chrX:24,723,176, A>G. VCF-style: chrX-24723176-A-G. GRCh37 (hg19) VCF-style: chrX-24741293-A-G.
Other names: c.1109A>G, p.Lys370Arg (NM_001378303.1); c.1091A>G, p.Lys364Arg (NM_016937.4); short protein forms K364R, K370R.
Identifiers: ClinVar variation 1912298 (VCV001912298.5), dbSNP rs61756361, ClinGen allele CA326896717.